The following is an entry in ClinVar:

ClinVar aggregate classification (germline): Conflicting classifications of pathogenicity. Review status: criteria provided, conflicting classifications (1 of 4 stars). 4 submissions from 4 submitters: Uncertain significance (3); Likely benign (1). Last evaluated 2024-09-11.

Conditions:
Hereditary cancer. Identifiers: MedGen C1333600.
Hereditary cancer-predisposing syndrome. Also called: Tumor predisposition; Hereditary neoplastic syndrome; Neoplastic Syndromes, Hereditary; Hereditary Cancer Syndrome. Identifiers: Orphanet 140162, MedGen C0027672, MeSH D009386, MONDO:0015356.
Familial cancer of breast. Also called: hereditary breast carcinoma; Hereditary breast cancer; BREAST CANCER, FAMILIAL. Identifiers: Orphanet 227535, MedGen C0346153, MONDO:0016419, OMIM 114480. Disease mechanism: loss of function.

gnomAD v4.1: 1 of 1,614,166 alleles (0.000062%); highest among the groups gnomAD compares: Non-Finnish European, 0.000085%; no homozygotes.

Submissions (4):

Mendelics
Classification: Likely benign for Hereditary cancer. Last evaluated: 2024-09-11. Review status: criteria provided, single submitter. Criteria: ACMG Guidelines, 2015. Collection method: clinical testing. Allele origin: unknown.
Comment: This variant is considered likely benign or benign based on one or more of the following: it is predicted to be benign by multiple in silico algorithms, and/or has population frequency not consistent with disease, and/or has normal protein function, and/or has lack of segregation with disease, and/or has been detected in co-occurrence with known pathogenic variant, and/or has lack of disease association in case-control studies, and/or is located in a region inconsistent with a known cause of pathogenicity.

Labcorp Genetics (formerly Invitae), Labcorp
Classification: Uncertain significance for Familial cancer of breast. Last evaluated: 2024-05-07. Review status: criteria provided, single submitter. Criteria: Invitae Variant Classification Sherloc (09022015). Collection method: clinical testing. Allele origin: germline.
Comment: This sequence change replaces threonine, which is neutral and polar, with alanine, which is neutral and non-polar, at codon 494 of the PALB2 protein (p.Thr494Ala). This variant is not present in population databases (gnomAD no frequency). This variant has not been reported in the literature in individuals affected with PALB2-related conditions. ClinVar contains an entry for this variant (Variation ID: 847840). Advanced modeling of protein sequence and biophysical properties (such as structural, functional, and spatial information, amino acid conservation, physicochemical variation, residue mobility, and thermodynamic stability) performed at Invitae indicates that this missense variant is not expected to disrupt PALB2 protein function with a negative predictive value of 80%. In summary, the available evidence is currently insufficient to determine the role of this variant in disease. Therefore, it has been classified as a Variant of Uncertain Significance.

Ambry Genetics
Classification: Uncertain significance for Hereditary cancer-predisposing syndrome. Last evaluated: 2022-05-12. Review status: criteria provided, single submitter. Criteria: Ambry Variant Classification Scheme 2023. Collection method: clinical testing. Allele origin: germline.
Comment: The p.T494A variant (also known as c.1480A>G), located in coding exon 4 of the PALB2 gene, results from an A to G substitution at nucleotide position 1480. The threonine at codon 494 is replaced by alanine, an amino acid with similar properties. This amino acid position is conserved. In addition, this alteration is predicted to be tolerated by in silico analysis. Since supporting evidence is limited at this time, the clinical significance of this alteration remains unclear.

Color Diagnostics, LLC DBA Color Health
Classification: Uncertain significance for Hereditary cancer-predisposing syndrome. Last evaluated: 2021-12-08. Review status: criteria provided, single submitter. Criteria: ACMG Guidelines, 2015. Collection method: clinical testing. Allele origin: germline.
Comment: This missense variant replaces threonine with alanine at codon 494 of the PALB2 protein. Computational prediction suggests that this variant may not impact protein structure and function (internally defined REVEL score threshold <= 0.5, PMID: 27666373). To our knowledge, functional studies have not been reported for this variant. This variant has not been reported in individuals affected with hereditary cancer in the literature. This variant has not been identified in the general population by the Genome Aggregation Database (gnomAD). The available evidence is insufficient to determine the role of this variant in disease conclusively. Therefore, this variant is classified as a Variant of Uncertain Significance.

NM_024675.4(PALB2):c.1480A>G (p.Thr494Ala)

Gene: PALB2 (partner and localizer of BRCA2; minus strand). Cytogenetic location: 16p12.2.
Variant type: single nucleotide variant.
Coding change: c.1480A>G on transcript NM_024675.4 (MANE Select); coding-DNA position 1480, A replaced by G.
Protein change: p.Thr494Ala; replaces threonine 494 with alanine.
Molecular consequence: missense variant.
Genome position (GRCh38, 1-based): chr16:23,635,066, T>C on the plus strand (A>G on the coding strand, the complement: PALB2 is on the minus strand). VCF-style: chr16-23635066-T-C. GRCh37 (hg19) VCF-style: chr16-23646387-T-C.
Other names: short protein forms T494A.
Identifiers: ClinVar variation 847840 (VCV000847840.16), dbSNP rs1555461258, ClinGen allele CA395131134.
Genomic context (GRCh38, chr16:23,635,066, plus strand): 5'-CTGTGTATCTTCTACCAGGTGCTTGGGCAACTGCCTTCCTAGACAAGTCATTATCTTCAG[T>C]GGGCCCAGCGGGAGAGCTGACTTTAGTTAATGAGAGAAGTTTCTGAGAGGTTCTTGAACT-3'
Protein context (NP_078951.2, residues 484-504): LTKVSSPAGP[Thr494Ala]EDNDLSRKAV